The following is an entry in ClinVar:

ClinVar aggregate classification (germline): Pathogenic/Likely pathogenic. Review status: criteria provided, multiple submitters, no conflicts (2 of 4 stars). 3 submissions from 3 submitters: Pathogenic (1); Likely pathogenic (1). 1 of the submissions does not count toward it. Last evaluated 2025-05-23.

Conditions:
PPP1R21-related disorder. Also called: PPP1R21-related condition.
Neurodevelopmental disorder with hypotonia.
Neurodevelopmental disorder with hypotonia, facial dysmorphism, and brain abnormalities (NEDHFBA). Also called: PPP1R21-Related El-Hattab-Schmidts Syndrome; EL-HATTAB-SCHMIDTS SYNDROME. Identifiers: MedGen C5543591, MONDO:0859165, OMIM 619383.

gnomAD v4.1: 3 of 1,610,890 alleles (0.00019%); highest among the groups gnomAD compares: Non-Finnish European, 0.00017%; no homozygotes.

Submissions (3):

PreventionGenetics, part of Exact Sciences
Classification: Pathogenic for PPP1R21-related condition. Last evaluated: 2025-05-23. Review status: criteria provided, single submitter. Criteria: ACMG Guidelines, 2015. Collection method: clinical testing. Allele origin: germline.
Comment: The PPP1R21 c.2089C>T variant is predicted to result in premature protein termination (p.Arg697*). This variant has been reported in the homozygous state in several individuals with neurodevelopmental disorder with hypotonia, facial dysmorphism, and brain abnormalities and was shown to segregate with disease in one family (Anazi et al. 2017. PubMed ID: 28940097; Suleiman et al. 2018. PubMed ID: 29808498; Almannai et al. 2024. PubMed ID: 38356149). This variant has not been reported in a large population database (gnomAD), indicating this variant is rare. Nonsense variants in PPP1R21 are expected to be pathogenic. This variant is interpreted as pathogenic.

Dubai Health Genomic Medicine Center, Dubai Health
Classification: Likely pathogenic for Neurodevelopmental disorder with hypotonia. Last evaluated: 2024-10-04. Review status: criteria provided, single submitter. Criteria: ACMG Guidelines, 2015. Collection method: research. Allele origin: germline. Affected: yes.
Comment: PVS1,PM2,PP1

OMIM
Classification: Pathogenic for NEURODEVELOPMENTAL DISORDER WITH HYPOTONIA, FACIAL DYSMORPHISM, AND BRAIN ABNORMALITIES. Last evaluated: 2024-12-16. Review status: no assertion criteria provided. Collection method: literature only. Allele origin: germline. Not counted in ClinVar's aggregate classification.

Literature cited by the submitters: PubMed 29808498 (cited by OMIM); PubMed 28940097 (cited by OMIM); PubMed 38356149 (cited by OMIM).

NM_001135629.3(PPP1R21):c.2089C>T (p.Arg697Ter)

Gene: PPP1R21 (protein phosphatase 1 regulatory subunit 21; plus strand). Cytogenetic location: 2p16.3.
Variant type: single nucleotide variant.
Coding change: c.2089C>T on transcript NM_001135629.3 (MANE Select); coding-DNA position 2089, C replaced by T.
Protein change: p.Arg697Ter; replaces arginine 697 with a stop codon.
Molecular consequence: nonsense. On other transcripts: non-coding transcript variant (1).
Genome position (GRCh38, 1-based): chr2:48,510,018, C>T. VCF-style: chr2-48510018-C-T. GRCh37 (hg19) VCF-style: chr2-48737157-C-T.
Other names: c.1963C>T, p.Arg655Ter (NM_001193475.2); c.2056C>T, p.Arg686Ter (NM_152994.5); short protein forms R697*, R655*, R686*.
Identifiers: ClinVar variation 1174144 (VCV001174144.4), dbSNP rs989639063, ClinGen allele CA46745762.